The following is an entry in ClinVar:

NM_000214.3(JAG1):c.1348+3G>A

Gene: JAG1 (jagged canonical Notch ligand 1; minus strand). Cytogenetic location: 20p12.2.
Variant type: single nucleotide variant.
Coding change: c.1348+3G>A on transcript NM_000214.3 (MANE Select); 3 bases into the intron after coding-DNA position 1348, G replaced by A.
Molecular consequence: intron variant.
Genome position (GRCh38, 1-based): chr20:10,649,519, C>T on the plus strand (G>A on the coding strand, the complement: JAG1 is on the minus strand). VCF-style: chr20-10649519-C-T. GRCh37 (hg19) VCF-style: chr20-10630167-C-T.
Other names: c.1348+3G>A (LRG_1191t1).
Identifiers: ClinVar variation 596214 (VCV000596214.18), dbSNP rs368718180, ClinGen allele CA9764913.

ClinVar aggregate classification (germline): Conflicting classifications of pathogenicity. Review status: criteria provided, conflicting classifications (1 of 4 stars). 5 submissions from 5 submitters: Uncertain significance (2); Likely benign (2). 1 of the submissions does not count toward it. Last evaluated 2026-01-20.

Conditions:
JAG1-related disorder. Also called: JAG1-related disorders; JAG1-related condition.
Cardiovascular phenotype. Identifiers: MedGen CN230736.
Alagille syndrome due to a JAG1 point mutation. Also called: Alagille Syndrome 1; HEPATIC DUCTULAR HYPOPLASIA, SYNDROMATIC; JAG1-Related Alagille Syndrome. Identifiers: Orphanet 261619, Orphanet 52, MedGen C1956125, MONDO:0016862, OMIM 118450.

Allele frequency attached by ClinVar (database versions not stated): gnomAD exomes 0.00002 and 0.00004; ExAC 0.00005; ESP Exome Variant Server 0.00008; 1000 Genomes Project 30x 0.00016; gnomAD 0.00019 and 0.00022; 1000 Genomes Project 0.00020; TOPMed 0.00022.
gnomAD v4.1: 62 of 1,565,346 alleles (0.004%); highest among the groups gnomAD compares: African/African-American, 0.063%; no homozygotes.

Submissions (5):

Labcorp Genetics (formerly Invitae), Labcorp
Classification: Likely benign for Alagille syndrome due to a JAG1 point mutation. Last evaluated: 2026-01-20. Review status: criteria provided, single submitter. Criteria: Invitae Variant Classification Sherloc (09022015). Collection method: clinical testing. Allele origin: germline.

Ambry Genetics
Classification: Uncertain significance for Cardiovascular phenotype. Last evaluated: 2024-06-20. Review status: criteria provided, single submitter. Criteria: Ambry Variant Classification Scheme 2023. Collection method: clinical testing. Allele origin: germline.
Comment: The c.1348+3G>A intronic variant results from a G to A substitution 3 nucleotides after coding exon 10 in the JAG1 gene. This nucleotide position is not well conserved in available vertebrate species. In silico splice site analysis predicts that this alteration will not have any significant effect on splicing. Based on the available evidence, the clinical significance of this variant remains unclear.

Blueprint Genetics
Classification: Likely benign. Last evaluated: 2022-11-05. Review status: criteria provided, single submitter. Criteria: ACMG Guidelines, 2015. Collection method: clinical testing. Allele origin: germline.

Eurofins Ntd Llc (ga)
Classification: Uncertain significance. Last evaluated: 2018-03-01. Review status: criteria provided, single submitter. Criteria: EGL ClinVar v180209 classification definitions. Collection method: clinical testing. Allele origin: germline. Observed: 1 variant allele, 1 heterozygote.

PreventionGenetics, part of Exact Sciences
Classification: Likely benign for JAG1-related condition. Last evaluated: 2020-05-07. Review status: no assertion criteria provided. Collection method: clinical testing. Allele origin: germline. Not counted in ClinVar's aggregate classification.
Comment: This variant is classified as likely benign based on ACMG/AMP sequence variant interpretation guidelines (Richards et al. 2015 PMID: 25741868, with internal and published modifications).